The following is an entry in ClinVar:

NM_000441.2(SLC26A4):c.1997C>A (p.Ser666Tyr)

Gene: SLC26A4 (solute carrier family 26 member 4; plus strand). Cytogenetic location: 7q22.3.
Variant type: single nucleotide variant.
Coding change: c.1997C>A on transcript NM_000441.2 (MANE Select); coding-DNA position 1997, C replaced by A.
Protein change: p.Ser666Tyr; replaces serine 666 with tyrosine.
Molecular consequence: missense variant.
Genome position (GRCh38, 1-based): chr7:107,702,020, C>A. VCF-style: chr7-107702020-C-A. GRCh37 (hg19) VCF-style: chr7-107342465-C-A.
Other names: short protein forms S666Y.
Identifiers: ClinVar variation 4536152 (VCV004536152.1).

ClinVar aggregate classification (germline): Uncertain significance (1 of 4 stars; one submission).

gnomAD v4.1: 1 of 1,613,832 alleles (0.000062%); highest among the groups gnomAD compares: Non-Finnish European, 0.000085%; no homozygotes.

Submission:

Women's Health and Genetics/Laboratory Corporation of America, LabCorp
Classification: Uncertain significance. Last evaluated: 2025-09-17. Review status: criteria provided, single submitter. Criteria: LabCorp Variant Classification Summary - May 2015. Collection method: clinical testing. Allele origin: germline.
Comment: Variant summary: SLC26A4 c.1997C>A (p.Ser666Tyr) results in a non-conservative amino acid change in the encoded protein sequence. Algorithms developed to predict the effect of missense changes on protein structure and function all suggest that this variant is likely to be disruptive. The variant was absent in 251210 control chromosomes. The available data on variant occurrences in the general population are insufficient to allow any conclusion about variant significance. To our knowledge, no occurrence of c.1997C>A in individuals affected with SLC26A4-related conditions and no experimental evidence demonstrating its impact on protein function have been reported. No submitters have cited clinical-significance assessments for this variant to ClinVar. Based on the evidence outlined above, the variant was classified as uncertain significance.